The following is an entry in ClinVar:

ClinVar aggregate classification (germline): Conflicting classifications of pathogenicity. Review status: criteria provided, conflicting classifications (1 of 4 stars). 4 submissions from 4 submitters: Uncertain significance (1); Likely benign (3). Last evaluated 2025-09-12.

Conditions:
TTN-related disorder. Also called: TTN-related disorders; TTN-related condition; TTN-related disease.

Allele frequency attached by ClinVar (database versions not stated): gnomAD exomes 0.00001 and 0.00003; ExAC 0.00002; gnomAD 0.00009; TOPMed 0.00011.
gnomAD v4.1: 30 of 1,613,442 alleles (0.0019%); highest among the groups gnomAD compares: African/African-American, 0.029%; no homozygotes.

Submissions (4):

PreventionGenetics, part of Exact Sciences
Classification: Uncertain significance for TTN-related condition. Last evaluated: 2025-09-12. Review status: criteria provided, single submitter. Criteria: ACMG Guidelines, 2015. Collection method: clinical testing. Allele origin: germline.
Comment: The TTN c.79072G>A variant is predicted to result in the amino acid substitution p.Val26358Ile. To our knowledge, this variant has not been reported in the literature. This variant is reported in 0.025% of alleles in individuals of African descent in gnomAD. At this time, the clinical significance of this variant is uncertain due to the absence of conclusive functional and genetic evidence.

Revvity Omics, Revvity
Classification: Likely benign. Last evaluated: 2023-12-22. Review status: criteria provided, single submitter. Criteria: ACMG Guidelines, 2015. Collection method: clinical testing. Allele origin: germline.

GeneDx
Classification: Likely benign. Last evaluated: 2019-11-14. Review status: criteria provided, single submitter. Criteria: GeneDx Variant Classification Process June 2021. Collection method: clinical testing. Allele origin: germline. Affected: yes.

Laboratory for Molecular Medicine, Mass General Brigham Personalized Medicine
Classification: Likely benign. Last evaluated: 2015-10-22. Review status: criteria provided, single submitter. Criteria: LMM Criteria. Collection method: clinical testing. Allele origin: germline. Observed: 1 variant allele.
Comment: p.Val23790Ile in exon 275 of TTN: This variant is not expected to have clinical significance due to a lack of conservation across species, including mammals. Of note, >10 mammals have an isoleucine (Ile) residue at this position despite hig h nearby amino acid sequence conservation. In addition, computational prediction tools do not suggest a high likelihood of impact to the protein. This variant h as been identified in 2/11560 of Latino chromosomes and 1/9796 African chromosom es by the Exome Aggregation Consortium (ExAC).

NM_001267550.2(TTN):c.79072G>A (p.Val26358Ile)

Genes: TTN (titin; minus strand), TTN-AS1 (TTN antisense RNA 1; plus strand). Cytogenetic location: 2q31.2.
Variant type: single nucleotide variant.
Coding change: c.79072G>A on transcript NM_001267550.2 (MANE Select); coding-DNA position 79072, G replaced by A.
Protein change: p.Val26358Ile; replaces valine 26358 with isoleucine.
Molecular consequence: missense variant.
Genome position (GRCh38, 1-based): chr2:178,567,060, C>T on the plus strand (G>A on the coding strand, the complement: TTN is on the minus strand). VCF-style: chr2-178567060-C-T. GRCh37 (hg19) VCF-style: chr2-179431787-C-T.
Other names: c.74149G>A, p.Val24717Ile (NM_001256850.1); c.51877G>A, p.Val17293Ile (NM_003319.4); c.52252G>A, p.Val17418Ile (NM_133432.3); c.52453G>A, p.Val17485Ile (NM_133437.4); c.71368G>A, p.Val23790Ile (NM_133378.4); short protein forms V23790I, V26358I, V17293I, V24717I, V17418I, V17485I.
Identifiers: ClinVar variation 228145 (VCV000228145.12), dbSNP rs774747865, ClinGen allele CA1989531.
Genomic context (GRCh38, chr2:178,567,060, plus strand): 5'-CTGGTGCAGATTCCAAAGGCTCTCCAACACCATATTTGTTGACAGCCATTATACGGAAAA[C>T]ATATTCATTACCTTCTAAGAGTTTGGTAACTTTCAGAGAATTGGTCACAACTTCTGAAGC-3'
Protein context (NP_001254479.2, residues 26348-26368): VTKLLEGNEY[Val26358Ile]FRIMAVNKYG